The following is an entry in ClinVar:

NM_033409.4(SLC52A3):c.1218C>A (p.Phe406Leu)

Gene: SLC52A3 (solute carrier family 52 member 3; minus strand). Cytogenetic location: 20p13.
Variant type: single nucleotide variant.
Coding change: c.1218C>A on transcript NM_033409.4 (MANE Select); coding-DNA position 1218, C replaced by A.
Protein change: p.Phe406Leu; replaces phenylalanine 406 with leucine.
Molecular consequence: missense variant.
Genome position (GRCh38, 1-based): chr20:761,218, G>T on the plus strand (C>A on the coding strand, the complement: SLC52A3 is on the minus strand). VCF-style: chr20-761218-G-T. GRCh37 (hg19) VCF-style: chr20-741862-G-T.
Other names: c.1218C>A, p.Phe406Leu (NM_001370085.1, NM_001370086.1); short protein forms F406L.
Identifiers: ClinVar variation 1717333 (VCV001717333.5), dbSNP rs2514843771, ClinGen allele CA407962093.

ClinVar aggregate classification (germline): Uncertain significance (1 of 4 stars; one submission).

Conditions:
Brown-Vialetto-van Laere syndrome 1. Also called: BROWN-VIALETTO-VAN LAERE SYNDROME 1, MILD; BULBAR PALSY, PROGRESSIVE, WITH SENSORINEURAL DEAFNESS; PONTOBULBAR PALSY WITH DEAFNESS. Identifiers: Orphanet 572550, Orphanet 97229, MedGen C0796274, MONDO:0024537, OMIM 211530.

Submission:

Labcorp Genetics (formerly Invitae), Labcorp
Classification: Uncertain significance for Brown-Vialetto-van Laere syndrome 1. Last evaluated: 2022-08-21. Review status: criteria provided, single submitter. Criteria: Invitae Variant Classification Sherloc (09022015). Collection method: clinical testing. Allele origin: germline.
Comment: This variant has not been reported in the literature in individuals affected with SLC52A3-related conditions. This variant is not present in population databases (gnomAD no frequency). This sequence change replaces phenylalanine, which is neutral and non-polar, with leucine, which is neutral and non-polar, at codon 406 of the SLC52A3 protein (p.Phe406Leu). Algorithms developed to predict the effect of missense changes on protein structure and function (SIFT, PolyPhen-2, Align-GVGD) all suggest that this variant is likely to be tolerated. In summary, the available evidence is currently insufficient to determine the role of this variant in disease. Therefore, it has been classified as a Variant of Uncertain Significance.